The following is an entry in ClinVar:

ClinVar aggregate classification (germline): Benign. Review status: criteria provided, multiple submitters, no conflicts (2 of 4 stars). 8 submissions from 8 submitters: Benign (5). 3 of the submissions do not count toward it. Last evaluated 2026-02-03.

Conditions:
Treacher Collins syndrome 1 (TCS1). Also called: TCOF1-Related Treacher Collins Syndrome. Identifiers: Orphanet 861, MedGen CN315775, MONDO:0007944, OMIM 154500.

Allele frequency attached by ClinVar (database versions not stated): gnomAD exomes 0.14223 and 0.15407; ExAC 0.14552; 1000 Genomes Project 30x 0.15693; 1000 Genomes Project 0.15875; TOPMed 0.17351; gnomAD 0.17396 and 0.17747; ESP Exome Variant Server 0.18338.
gnomAD v4.1: 251,286 of 1,612,736 alleles (16%); highest among the groups gnomAD compares: African/African-American, 25%; 20,628 homozygotes.

Submissions (8):

Labcorp Genetics (formerly Invitae), Labcorp
Classification: Benign for Treacher Collins syndrome 1. Last evaluated: 2026-02-03. Review status: criteria provided, single submitter. Criteria: Invitae Variant Classification Sherloc (09022015). Collection method: clinical testing. Allele origin: germline.

Blueprint Genetics
Classification: Benign. Last evaluated: 2024-11-26. Review status: criteria provided, single submitter. Criteria: ACMG Guidelines, 2015. Collection method: clinical testing. Allele origin: germline.

Mayo Clinic Laboratories, Mayo Clinic
Classification: Benign. Last evaluated: 2020-12-04. Review status: criteria provided, single submitter. Criteria: ACMG Guidelines, 2015. Collection method: clinical testing. Allele origin: germline. Observed: 37 variant alleles.

GeneDx
Classification: Benign. Last evaluated: 2015-03-03. Review status: criteria provided, single submitter. Criteria: GeneDx Variant Classification Process June 2021. Collection method: clinical testing. Allele origin: germline. Affected: yes.

PreventionGenetics, part of Exact Sciences
Classification: Benign. Review status: criteria provided, single submitter. Criteria: ACMG Guidelines, 2015. Collection method: clinical testing. Allele origin: germline.

Genetic Services Laboratory, University of Chicago
Classification: Likely benign for AllHighlyPenetrant. Review status: no assertion criteria provided. Collection method: clinical testing. Allele origin: germline. Inheritance: Autosomal dominant inheritance. Not counted in ClinVar's aggregate classification.
Comment: Likely benign based on allele frequency in 1000 Genomes Project or ESP global frequency and its presence in a patient with a rare or unrelated disease phenotype. NOT Sanger confirmed.

Genome Diagnostics Laboratory, University Medical Center Utrecht
Classification: Benign. Review status: no assertion criteria provided. Collection method: clinical testing. Allele origin: germline. Affected: yes. Study: VKGL Data-share Consensus. Not counted in ClinVar's aggregate classification.

Joint Genome Diagnostic Labs from Nijmegen and Maastricht, Radboudumc and MUMC+
Classification: Benign. Review status: no assertion criteria provided. Collection method: clinical testing. Allele origin: germline. Affected: yes. Study: VKGL Data-share Consensus. Not counted in ClinVar's aggregate classification.

NM_001371623.1(TCOF1):c.1578C>T (p.Pro526=)

Gene: TCOF1 (treacle ribosome biogenesis factor 1; plus strand). Cytogenetic location: 5q32.
Variant type: single nucleotide variant.
Coding change: c.1578C>T on transcript NM_001371623.1 (MANE Select); coding-DNA position 1578, C replaced by T.
Protein change: p.Pro526=; no amino-acid change (proline 526 retained).
Molecular consequence: synonymous variant.
Genome position (GRCh38, 1-based): chr5:150,375,428, C>T. VCF-style: chr5-150375428-C-T. GRCh37 (hg19) VCF-style: chr5-149754991-C-T.
Other names: p.Pro526=; c.1347C>T, p.Pro449= (NM_000356.4, NM_001135245.2); c.1578C>T, p.Pro526= (NM_001008657.3, NM_001135243.2, NM_001135244.2 and 1 more transcripts).
Identifiers: ClinVar variation 130562 (VCV000130562.22), dbSNP rs2071238, ClinGen allele CA155655.